The following is an entry in ClinVar:

NM_000447.3(PSEN2):c.769G>A (p.Gly257Ser)

Gene: PSEN2 (presenilin 2; plus strand). Cytogenetic location: 1q42.13.
Variant type: single nucleotide variant.
Coding change: c.769G>A on transcript NM_000447.3 (MANE Select); coding-DNA position 769, G replaced by A.
Protein change: p.Gly257Ser; replaces glycine 257 with serine.
Molecular consequence: missense variant.
Genome position (GRCh38, 1-based): chr1:226,889,031, G>A. VCF-style: chr1-226889031-G-A. GRCh37 (hg19) VCF-style: chr1-227076732-G-A.
Other names: c.769G>A, p.Gly257Ser (NM_012486.3); short protein forms G257S.
Identifiers: ClinVar variation 3690146 (VCV003690146.2).

ClinVar aggregate classification (germline): Uncertain significance (1 of 4 stars; one submission).

Conditions:
Alzheimer disease 4 (AD4). Identifiers: Orphanet 1020, MedGen C1847200, MONDO:0011743, OMIM 606889.

Submission:

Labcorp Genetics (formerly Invitae), Labcorp
Classification: Uncertain significance for Alzheimer disease 4. Last evaluated: 2024-08-23. Review status: criteria provided, single submitter. Criteria: Invitae Variant Classification Sherloc (09022015). Collection method: clinical testing. Allele origin: germline.
Comment: This sequence change replaces glycine, which is neutral and non-polar, with serine, which is neutral and polar, at codon 257 of the PSEN2 protein (p.Gly257Ser). This variant is present in population databases (rs766159571, gnomAD 0.05%), and has an allele count higher than expected for a pathogenic variant. This variant has not been reported in the literature in individuals affected with PSEN2-related conditions. Invitae Evidence Modeling of protein sequence and biophysical properties (such as structural, functional, and spatial information, amino acid conservation, physicochemical variation, residue mobility, and thermodynamic stability) indicates that this missense variant is not expected to disrupt PSEN2 protein function with a negative predictive value of 80%. In summary, the available evidence is currently insufficient to determine the role of this variant in disease. Therefore, it has been classified as a Variant of Uncertain Significance.